The following is an entry in ClinVar:

NM_003072.5(SMARCA4):c.3168+6C>A

Gene: SMARCA4 (SWI/SNF related BAF chromatin remodeling complex subunit ATPase 4; plus strand). Cytogenetic location: 19p13.2.
Variant type: single nucleotide variant.
Coding change: c.3168+6C>A on transcript NM_003072.5 (MANE Select); 6 bases into the intron after coding-DNA position 3168, C replaced by A.
Molecular consequence: intron variant.
Genome position (GRCh38, 1-based): chr19:11,025,514, C>A. VCF-style: chr19-11025514-C-A. GRCh37 (hg19) VCF-style: chr19-11136190-C-A.
Other names: c.3168+6C>A (NM_001128844.3, NM_001128849.3, NM_001128847.4 and 5 more transcripts).
Identifiers: ClinVar variation 1900117 (VCV001900117.2), dbSNP rs1199002342, ClinGen allele CA2580096359.

ClinVar aggregate classification (germline): Uncertain significance (1 of 4 stars; one submission).

Conditions:
Rhabdoid tumor predisposition syndrome 2 (RTPS2). Identifiers: Orphanet 231108, Orphanet 69077, MedGen C2750074, MONDO:0013224, OMIM 613325.

Submission:

Labcorp Genetics (formerly Invitae), Labcorp
Classification: Uncertain significance for Rhabdoid tumor predisposition syndrome 2. Last evaluated: 2021-11-18. Review status: criteria provided, single submitter. Criteria: Invitae Variant Classification Sherloc (09022015). Collection method: clinical testing. Allele origin: germline.
Comment: This sequence change falls in intron 22 of the SMARCA4 gene. It does not directly change the encoded amino acid sequence of the SMARCA4 protein. It affects a nucleotide within the consensus splice site. This variant is not present in population databases (gnomAD no frequency). This variant has not been reported in the literature in individuals affected with SMARCA4-related conditions. Variants that disrupt the consensus splice site are a relatively common cause of aberrant splicing (PMID: 17576681, 9536098). Algorithms developed to predict the effect of sequence changes on RNA splicing suggest that this variant is not likely to affect RNA splicing. In summary, the available evidence is currently insufficient to determine the role of this variant in disease. Therefore, it has been classified as a Variant of Uncertain Significance.

Literature cited by the submitters: PubMed 17576681; PubMed 9536098.